The following is an entry in ClinVar:

NM_005633.4(SOS1):c.805A>G (p.Met269Val)

Gene: SOS1 (SOS Ras/Rac guanine nucleotide exchange factor 1; minus strand). Cytogenetic location: 2p22.1.
Variant type: single nucleotide variant.
Coding change: c.805A>G on transcript NM_005633.4 (MANE Select); coding-DNA position 805, A replaced by G.
Protein change: p.Met269Val; replaces methionine 269 with valine.
Molecular consequence: missense variant.
Genome position (GRCh38, 1-based): chr2:39,051,203, T>C on the plus strand (A>G on the coding strand, the complement: SOS1 is on the minus strand). VCF-style: chr2-39051203-T-C. GRCh37 (hg19) VCF-style: chr2-39278344-T-C.
Other names: c.784A>G, p.Met262Val (NM_001382394.1); c.805A>G, p.Met269Val (NM_001382395.1); short protein forms M262V, M269V.
Identifiers: ClinVar variation 981559 (VCV000981559.13), dbSNP rs1671005559, ClinGen allele CA346367674.
Genomic context (GRCh38, chr2:39,051,203, plus strand): 5'-CCTCTGCTAAGTCTTCAAAGCAGCTTCCTACTAGTGGATGGGGACTGCCTTCATCTGTCA[T>C]TTCTACTGTATCTTCTATATGGCCCAGTAACTTTACACTAAGTTCATGTATATCTACTAT-3'
Protein context (NP_005624.2, residues 259-279): LLGHIEDTVE[Met269Val]TDEGSPHPLV

ClinVar aggregate classification (germline): Conflicting classifications of pathogenicity. Review status: criteria provided, conflicting classifications (1 of 4 stars). 6 submissions from 6 submitters: Likely pathogenic (4); Uncertain significance (1). 1 of the submissions does not count toward it. Last evaluated 2025-11-01.

Conditions:
RASopathy. Also called: Noonan spectrum disorder; rasopathies. Identifiers: Orphanet 536391, MedGen C5555857, MONDO:0021060.
Noonan syndrome 4 (NS4). Also called: SOS1-Related Noonan Syndrome; NOONAN SYNDROME WITH PIGMENTED VILLONODULAR SYNOVITIS. Identifiers: Orphanet 648, MedGen C1853120, MONDO:0012547, OMIM 610733.
Cardiovascular phenotype. Identifiers: MedGen CN230736.
Noonan syndrome (NS). Also called: Noonan's syndrome. Identifiers: Orphanet 648, MedGen C0028326, MeSH D009634, MONDO:0018997. Disease mechanism: gain of function.

Allele frequency attached by ClinVar (database versions not stated): gnomAD exomes below 0.00001.
gnomAD v4.1: 2 of 1,613,618 alleles (0.00012%); highest among the groups gnomAD compares: Non-Finnish European, 0.00017%; no homozygotes.

Submissions (7):

CeGaT Center for Human Genetics Tuebingen
Classification: Likely pathogenic. Last evaluated: 2025-11-01. Review status: criteria provided, single submitter. Criteria: CeGaT Center For Human Genetics Tuebingen Variant Classification Criteria Version 2. Collection method: clinical testing. Allele origin: germline. Affected: yes. Observed: 2 variant alleles.
Comment: SOS1: PM1, PM5, PM2:Supporting, PP3

Labcorp Genetics (formerly Invitae), Labcorp
Classification: Likely pathogenic for RASopathy. Last evaluated: 2024-10-28. Review status: criteria provided, single submitter. Criteria: Invitae Variant Classification Sherloc (09022015). Collection method: clinical testing. Allele origin: germline.
Comment: This sequence change replaces methionine, which is neutral and non-polar, with valine, which is neutral and non-polar, at codon 269 of the SOS1 protein (p.Met269Val). This variant is not present in population databases (gnomAD no frequency). This missense change has been observed in individual(s) with Noonan syndrome (PMID: 34358384). ClinVar contains an entry for this variant (Variation ID: 981559). Invitae Evidence Modeling of protein sequence and biophysical properties (such as structural, functional, and spatial information, amino acid conservation, physicochemical variation, residue mobility, and thermodynamic stability) indicates that this missense variant is expected to disrupt SOS1 protein function with a positive predictive value of 95%. This variant disrupts the p.Met269 amino acid residue in SOS1. Other variant(s) that disrupt this residue have been determined to be pathogenic (PMID: 17143282, 17143285, 17586837, 19020799, 22420426, 23885229). This suggests that this residue is clinically significant, and that variants that disrupt this residue are likely to be disease-causing. In summary, the currently available evidence indicates that the variant is pathogenic, but additional data are needed to prove that conclusively. Therefore, this variant has been classified as Likely Pathogenic.

Ambry Genetics
Classification: Uncertain significance for Cardiovascular phenotype. Last evaluated: 2024-06-06. Review status: criteria provided, single submitter. Criteria: Ambry Variant Classification Scheme 2023. Collection method: clinical testing. Allele origin: germline.
Comment: The p.M269V variant (also known as c.805A>G), located in coding exon 6 of the SOS1 gene, results from an A to G substitution at nucleotide position 805. The methionine at codon 269 is replaced by valine, an amino acid with highly similar properties. This variant has been reported in a cohort of women who had non-invasive prenatal screening (Mohan P et al. Ultrasound Obstet Gynecol, 2022 Jan;59:33-39). This amino acid position is highly conserved in available vertebrate species. In addition, this alteration is predicted to be deleterious by in silico analysis. Based on the available evidence, the clinical significance of this variant remains unclear.

Revvity Omics, Revvity
Classification: Likely pathogenic. Last evaluated: 2024-01-31. Review status: criteria provided, single submitter. Criteria: ACMG Guidelines, 2015. Collection method: clinical testing. Allele origin: germline.

3billion
Classification: Likely pathogenic for Noonan syndrome 4. Last evaluated: 2021-10-02. Review status: criteria provided, single submitter. Criteria: ACMG Guidelines, 2015. Collection method: clinical testing. Allele origin: unknown. Affected: yes. Observed: 1 heterozygote.
Comment: The missense variant is located in a mutational hot spot and/or well-established functional domain in which established pathogenic variants have been reported (PM1). It is not observed in the gnomAD v2.1.1 dataset (PM2). A different missense change at the same codon (p.Met269Arg)) has been reported as pathogenic (PMID: 17143282, 23885229 PM5). In silico tool predictions suggest damaging effect of the variant on gene or gene product (REVEL: 0.788, 3Cnet: 0.754, PP3). Therefore, this variant is classified as likely pathogenic according to the recommendation of ACMG/AMP guideline.

Dr. Peter K. Rogan Lab, Western University
No classification provided (evidence only). Condition: Lung cancer. Review status: no classification provided. Collection method: in vitro. Allele origin: not applicable. Functional consequence: retained intron. Not counted in ClinVar's aggregate classification.

Service de Génétique Moléculaire, Hôpital Robert Debré
Classification: Uncertain significance for Noonan syndrome. Review status: no assertion criteria provided. Collection method: clinical testing. Allele origin: unknown. Affected: yes. Not counted in ClinVar's aggregate classification.

Literature cited by the submitters: PubMed 34358384 (cited by Labcorp Genetics (formerly Invitae), Labcorp and Ambry Genetics); PubMed 17143282 (cited by Labcorp Genetics (formerly Invitae), Labcorp and 3billion); PubMed 17143285 (cited by Labcorp Genetics (formerly Invitae), Labcorp); PubMed 17586837 (cited by Labcorp Genetics (formerly Invitae), Labcorp); PubMed 19020799 (cited by Labcorp Genetics (formerly Invitae), Labcorp); PubMed 22420426 (cited by Labcorp Genetics (formerly Invitae), Labcorp); PubMed 23885229 (cited by Labcorp Genetics (formerly Invitae), Labcorp).